The following is an entry in ClinVar:

ClinVar aggregate classification (germline): Likely benign (1 of 4 stars; one submission).

Conditions:
TNC-related disorder. Also called: TNC-related condition.

gnomAD v4.1: 26 of 1,611,100 alleles (0.0016%); highest among the groups gnomAD compares: East Asian, 0.016%; no homozygotes.

Submission:

PreventionGenetics, part of Exact Sciences
Classification: Likely benign for TNC-related condition. Last evaluated: 2026-08-21. Review status: criteria provided, single submitter. Criteria: ACMG Guidelines, 2015. Collection method: clinical testing. Allele origin: germline.
Comment: This variant is classified as likely benign based on ACMG/AMP sequence variant interpretation guidelines (Richards et al. 2015 PMID: 25741868, with internal and published modifications).

NM_002160.4(TNC):c.3522C>T (p.Ala1174=)

Genes: TNC (tenascin C; minus strand), LOC126860741 (P300/CBP strongly-dependent group 1 enhancer GRCh37_chr9:117825442-117826641; plus strand). Cytogenetic location: 9q33.1.
Variant type: single nucleotide variant.
Coding change: c.3522C>T on transcript NM_002160.4 (MANE Select); coding-DNA position 3522, C replaced by T.
Protein change: p.Ala1174=; no amino-acid change (alanine 1174 retained).
Molecular consequence: synonymous variant. On other transcripts: intron variant (8).
Genome position (GRCh38, 1-based): chr9:115,064,034, G>A on the plus strand (C>T on the coding strand, the complement: TNC is on the minus strand). VCF-style: chr9-115064034-G-A. GRCh37 (hg19) VCF-style: chr9-117826313-G-A.
Other names: c.3522C>T, p.Ala1174= (NM_001410991.1, NM_001439065.1, NM_001439066.1 and 27 more transcripts); c.3214+9569C>T (NM_001439099.1, NM_001439096.1, NM_001439100.1 and 1 more transcripts); c.3215-6609C>T (NM_001439098.1, NM_001439094.1, NM_001439090.1); c.3487+613C>T (NM_001439097.1).
Identifiers: ClinVar variation 4977037 (VCV004977037.1).